The following is an entry in ClinVar:

NM_177438.3(DICER1):c.3788G>C (p.Gly1263Ala)

Gene: DICER1 (dicer 1, ribonuclease III; minus strand). Cytogenetic location: 14q32.13.
Variant type: single nucleotide variant.
Coding change: c.3788G>C on transcript NM_177438.3 (MANE Select); coding-DNA position 3788, G replaced by C.
Protein change: p.Gly1263Ala; replaces glycine 1263 with alanine.
Molecular consequence: missense variant. On other transcripts: non-coding transcript variant (6).
Genome position (GRCh38, 1-based): chr14:95,103,608, C>G on the plus strand (G>C on the coding strand, the complement: DICER1 is on the minus strand). VCF-style: chr14-95103608-C-G. GRCh37 (hg19) VCF-style: chr14-95569945-C-G.
Other names: c.3788G>C, p.Gly1263Ala (NM_001195573.1, NM_001271282.3, NM_001291628.2 and 12 more transcripts); c.3506G>C, p.Gly1169Ala (NM_001395686.1); c.3383G>C, p.Gly1128Ala (NM_001395687.1, NM_001395688.1, NM_001395689.1 and 2 more transcripts); c.3221G>C, p.Gly1074Ala (NM_001395691.1); c.2105G>C, p.Gly702Ala (NM_001395697.1); short protein forms G1169A, G1074A, G1128A, G1263A, G702A.
Identifiers: ClinVar variation 3644973 (VCV003644973.2).

ClinVar aggregate classification (germline): Uncertain significance (1 of 4 stars; one submission).

Conditions:
DICER1-related tumor predisposition. Also called: DICER1 syndrome; DICER1-related pleuropulmonary blastoma cancer predisposition syndrome. Identifiers: Orphanet 284343, MedGen C3839822, MONDO:0100216.

gnomAD v4.1: 1 of 1,614,176 alleles (0.000062%); highest among the groups gnomAD compares: Admixed American, 0.0017%; no homozygotes.

Submission:

Labcorp Genetics (formerly Invitae), Labcorp
Classification: Uncertain significance for DICER1-related tumor predisposition. Last evaluated: 2024-06-13. Review status: criteria provided, single submitter. Criteria: Invitae Variant Classification Sherloc (09022015). Collection method: clinical testing. Allele origin: germline.
Comment: This sequence change replaces glycine, which is neutral and non-polar, with alanine, which is neutral and non-polar, at codon 1263 of the DICER1 protein (p.Gly1263Ala). This variant is present in population databases (rs771990285, gnomAD 0.006%). This variant has not been reported in the literature in individuals affected with DICER1-related conditions. Algorithms developed to predict the effect of missense changes on protein structure and function output the following: SIFT: "Not Available"; PolyPhen-2: "Benign"; Align-GVGD: "Not Available". The alanine amino acid residue is found in multiple mammalian species, which suggests that this missense change does not adversely affect protein function. In summary, the available evidence is currently insufficient to determine the role of this variant in disease. Therefore, it has been classified as a Variant of Uncertain Significance.